The following is an entry in ClinVar:

NM_020759.3(STARD9):c.719A>G (p.Asn240Ser)

Gene: STARD9 (StAR related lipid transfer domain containing 9; plus strand). Cytogenetic location: 15q15.2.
Variant type: single nucleotide variant.
Coding change: c.719A>G on transcript NM_020759.3 (MANE Select); coding-DNA position 719, A replaced by G.
Protein change: p.Asn240Ser; replaces asparagine 240 with serine.
Molecular consequence: missense variant.
Genome position (GRCh38, 1-based): chr15:42,661,174, A>G. VCF-style: chr15-42661174-A-G. GRCh37 (hg19) VCF-style: chr15-42953372-A-G.
Other names: short protein forms N240S.
Identifiers: ClinVar variation 718236 (VCV000718236.28), dbSNP rs148862329, ClinGen allele CA7514024.

ClinVar aggregate classification (germline): Likely benign. Review status: criteria provided, multiple submitters, no conflicts (2 of 4 stars). 3 submissions from 3 submitters: Likely benign (3). Last evaluated 2022-11-01.

Allele frequency attached by ClinVar (database versions not stated): 1000 Genomes Project 30x 0.00125; 1000 Genomes Project 0.00140; ExAC 0.00165; gnomAD exomes 0.00235 and 0.00500; gnomAD 0.00264 and 0.00271; TOPMed 0.00290; ESP Exome Variant Server 0.00482.
gnomAD v4.1: 7,377 of 1,536,496 alleles (0.48%); highest among the groups gnomAD compares: Non-Finnish European, 0.6%; 39 homozygotes.

Submissions (3):

CeGaT Center for Human Genetics Tuebingen
Classification: Likely benign. Last evaluated: 2022-11-01. Review status: criteria provided, single submitter. Criteria: CeGaT Center For Human Genetics Tuebingen Variant Classification Criteria Version 2. Collection method: clinical testing. Allele origin: germline. Affected: yes. Observed: 1 variant allele.
Comment: STARD9: BP4, BS2

Labcorp Genetics (formerly Invitae), Labcorp
Classification: Likely benign. Last evaluated: 2018-08-27. Review status: criteria provided, single submitter. Criteria: Invitae Variant Classification Sherloc (09022015). Collection method: clinical testing. Allele origin: germline.

Breakthrough Genomics
Classification: Likely benign. Review status: criteria provided, single submitter. Criteria: ACMG Guidelines, 2015. Collection method: not provided. Allele origin: germline. Inheritance: Unknown mechanism. Affected: yes.